The following is an entry in ClinVar:

NM_015338.6(ASXL1):c.2428G>T (p.Asp810Tyr)

Gene: ASXL1 (ASXL transcriptional regulator 1; plus strand). Cytogenetic location: 20q11.21.
Variant type: single nucleotide variant.
Coding change: c.2428G>T on transcript NM_015338.6 (MANE Select); coding-DNA position 2428, G replaced by T.
Protein change: p.Asp810Tyr; replaces aspartic acid 810 with tyrosine.
Molecular consequence: missense variant.
Genome position (GRCh38, 1-based): chr20:32,435,140, G>T. VCF-style: chr20-32435140-G-T. GRCh37 (hg19) VCF-style: chr20-31022943-G-T.
Other names: c.2245G>T, p.Asp749Tyr (NM_001363734.1); short protein forms D810Y, D749Y.
Identifiers: ClinVar variation 4825239 (VCV004825239.1).

ClinVar aggregate classification (germline): Uncertain significance (1 of 4 stars; one submission).

Conditions:
Inborn genetic diseases. Identifiers: MedGen C0950123, MeSH D030342.

gnomAD v4.1: 1 of 1,613,844 alleles (0.000062%); highest among the groups gnomAD compares: Admixed American, 0.0017%; no homozygotes.

Submission:

Ambry Genetics
Classification: Uncertain significance for Inborn genetic diseases. Last evaluated: 2026-02-17. Review status: criteria provided, single submitter. Criteria: Ambry Variant Classification Scheme 2023. Collection method: clinical testing. Allele origin: germline.
Comment: The p.D810Y variant (also known as c.2428G>T), located in coding exon 13 of the ASXL1 gene, results from a G to T substitution at nucleotide position 2428. The aspartic acid at codon 810 is replaced by tyrosine, an amino acid with highly dissimilar properties. This amino acid position is conserved. In addition, this alteration is predicted to be tolerated by in silico analysis. Based on the available evidence, the clinical significance of this variant remains unclear.